The following is an entry in ClinVar:

ClinVar aggregate classification (germline): Uncertain significance. Review status: criteria provided, multiple submitters, no conflicts (2 of 4 stars). 4 submissions from 4 submitters: Uncertain significance (4). Last evaluated 2025-11-05.

Conditions:
ATL1-related disorder. Also called: ATL1-related condition.
Inborn genetic diseases. Identifiers: MedGen C0950123, MeSH D030342.
Hereditary spastic paraplegia 3A (SPG3A). Also called: Spastic paraplegia 3A, autosomal dominant; SPASTIC PARAPLEGIA 3, AUTOSOMAL DOMINANT; FAMILIAL SPASTIC PARAPLEGIA, AUTOSOMAL DOMINANT, 1; SPG3; STRUMPELL DISEASE; Spastic Paraplegia 3A. Identifiers: Orphanet 100984, MedGen C2931355, MONDO:0008437, OMIM 182600.

Allele frequency attached by ClinVar (database versions not stated): ExAC 0.00001; gnomAD exomes 0.00001 and 0.00004; gnomAD 0.00002 and 0.00003; TOPMed 0.00003.
gnomAD v4.1: 60 of 1,613,488 alleles (0.0037%); highest among the groups gnomAD compares: Non-Finnish European, 0.0047%; no homozygotes.

Submissions (4):

PreventionGenetics, part of Exact Sciences
Classification: Uncertain significance for ATL1-related condition. Last evaluated: 2025-11-05. Review status: criteria provided, single submitter. Criteria: ACMG Guidelines, 2015. Collection method: clinical testing. Allele origin: germline.
Comment: The ATL1 c.388T>C variant is predicted to result in the amino acid substitution p.Phe130Leu. To our knowledge, this variant has not been reported in the literature. This variant is reported in 0.0018% of alleles in individuals of European (non-Finnish) descent in gnomAD. At this time, the clinical significance of this variant is uncertain due to the absence of conclusive functional and genetic evidence.

Labcorp Genetics (formerly Invitae), Labcorp
Classification: Uncertain significance for Hereditary spastic paraplegia 3A. Last evaluated: 2025-10-23. Review status: criteria provided, single submitter. Criteria: Invitae Variant Classification Sherloc (09022015). Collection method: clinical testing. Allele origin: germline.
Comment: This sequence change replaces phenylalanine, which is neutral and non-polar, with leucine, which is neutral and non-polar, at codon 130 of the ATL1 protein (p.Phe130Leu). This variant is present in population databases (rs769581129, gnomAD 0.002%). This variant has not been reported in the literature in individuals affected with ATL1-related conditions. ClinVar contains an entry for this variant (Variation ID: 639467). Invitae Evidence Modeling of protein sequence and biophysical properties (such as structural, functional, and spatial information, amino acid conservation, physicochemical variation, residue mobility, and thermodynamic stability) has been performed for this missense variant. However, the output from this modeling did not meet the statistical confidence thresholds required to predict the impact of this variant on ATL1 protein function. In summary, the available evidence is currently insufficient to determine the role of this variant in disease. Therefore, it has been classified as a Variant of Uncertain Significance.

3billion
Classification: Uncertain significance for Hereditary spastic paraplegia 3A. Last evaluated: 2022-09-01. Review status: criteria provided, single submitter. Criteria: ACMG Guidelines, 2015. Collection method: clinical testing. Allele origin: germline. Affected: yes. Observed: 1 heterozygote.
Comment: The variant is observed at an extremely low frequency in the gnomAD v2.1.1 dataset (total allele frequency: <0.001%). Missense changes are a common disease-causing mechanism. Therefore, this variant is classified as uncertain significance according to the recommendation of ACMG/AMP guideline.

Ambry Genetics
Classification: Uncertain significance for Inborn genetic diseases. Last evaluated: 2022-01-10. Review status: criteria provided, single submitter. Criteria: Ambry Variant Classification Scheme 2023. Collection method: clinical testing. Allele origin: germline.

NM_015915.5(ATL1):c.388T>C (p.Phe130Leu)

Gene: ATL1 (atlastin GTPase 1; plus strand). Cytogenetic location: 14q22.1.
Variant type: single nucleotide variant.
Coding change: c.388T>C on transcript NM_015915.5 (MANE Select); coding-DNA position 388, T replaced by C.
Protein change: p.Phe130Leu; replaces phenylalanine 130 with leucine.
Molecular consequence: missense variant.
Genome position (GRCh38, 1-based): chr14:50,591,046, T>C. VCF-style: chr14-50591046-T-C. GRCh37 (hg19) VCF-style: chr14-51057764-T-C.
Other names: c.388T>C, p.Phe130Leu (NM_001127713.1, NM_181598.4); short protein forms F130L.
Identifiers: ClinVar variation 639467 (VCV000639467.14), dbSNP rs769581129, ClinGen allele CA7180218.